The following is an entry in ClinVar:

NM_001042492.3(NF1):c.6397del (p.Leu2133fs)

Gene: NF1 (neurofibromin 1; plus strand). Cytogenetic location: 17q11.2.
Variant type: Deletion.
Coding change: c.6397del on transcript NM_001042492.3 (MANE Select); coding-DNA position 6397, one base deleted (C; older notation c.6397delC).
Protein change: p.Leu2133fs; shifts the reading frame from leucine 2133.
Molecular consequence: frameshift variant.
Genome position (GRCh38, 1-based): chr17:31,336,884, C deleted. VCF-style (leftmost placement, unchanged base first): chr17-31336883-TC-T. GRCh37 (hg19) VCF-style: chr17-29663901-TC-T.
Other names: c.6334delC, p.Leu2112Cysfs (NM_000267.4); short protein forms L2133fs, L2112fs.
Identifiers: ClinVar variation 2749177 (VCV002749177.3), dbSNP rs2508750032, ClinGen allele CA2697559547.

ClinVar aggregate classification (germline): Pathogenic (1 of 4 stars; one submission).

Conditions:
Neurofibromatosis, type 1 (NF1). Also called: Peripheral type neurofibromatosis; NEUROFIBROMATOSIS, TYPE I, SOMATIC; VON RECKLINGHAUSEN DISEASE; Neurofibromatosis, type I. Identifiers: Orphanet 636, MedGen C0027831, MONDO:0018975, OMIM 162200. Disease mechanism: loss of function.

Submission:

Labcorp Genetics (formerly Invitae), Labcorp
Classification: Pathogenic for Neurofibromatosis, type 1. Last evaluated: 2023-08-02. Review status: criteria provided, single submitter. Criteria: Invitae Variant Classification Sherloc (09022015). Collection method: clinical testing. Allele origin: germline.
Comment: This sequence change creates a premature translational stop signal (p.Leu2112Cysfs*17) in the NF1 gene. It is expected to result in an absent or disrupted protein product. Loss-of-function variants in NF1 are known to be pathogenic (PMID: 10712197, 23913538). This variant is not present in population databases (gnomAD no frequency). This variant has not been reported in the literature in individuals affected with NF1-related conditions. For these reasons, this variant has been classified as Pathogenic.

Literature cited by the submitters: PubMed 10712197; PubMed 23913538.